The following is an entry in ClinVar:

ClinVar aggregate classification (germline): Pathogenic (1 of 4 stars; one submission).

Conditions:
Short-rib thoracic dysplasia 14 with polydactyly (SRTD14). Identifiers: Orphanet 397715, MedGen C4225286, MONDO:0014688, OMIM 616546.
Joubert syndrome 23 (JBTS23). Identifiers: Orphanet 475, MedGen C4084822, MONDO:0014664, OMIM 616490.

Submission:

Labcorp Genetics (formerly Invitae), Labcorp
Classification: Pathogenic for Joubert syndrome 23; Short-rib thoracic dysplasia 14 with polydactyly. Last evaluated: 2022-06-27. Review status: criteria provided, single submitter. Criteria: Invitae Variant Classification Sherloc (09022015). Collection method: clinical testing. Allele origin: germline.
Comment: For these reasons, this variant has been classified as Pathogenic. Algorithms developed to predict the effect of sequence changes on RNA splicing suggest that this variant may create or strengthen a splice site. ClinVar contains an entry for this variant (Variation ID: 1070838). This variant has not been reported in the literature in individuals affected with KIAA0586-related conditions. This variant is not present in population databases (gnomAD no frequency). This sequence change creates a premature translational stop signal (p.Val1555Tyrfs*3) in the KIAA0586 gene. It is expected to result in an absent or disrupted protein product. Loss-of-function variants in KIAA0586 are known to be pathogenic (PMID: 26096313, 26166481, 26386044).

Literature cited by the submitters: PubMed 26096313; PubMed 26166481; PubMed 26386044.

NM_001329943.3(KIAA0586):c.4495+3755del

Gene: KIAA0586 (KIAA0586; plus strand). Cytogenetic location: 14q23.1.
Variant type: Deletion.
Coding change: c.4495+3755del on transcript NM_001329943.3 (MANE Select); 3755 bases into the intron after coding-DNA position 4495, one base deleted (G; older notation c.4495+3755delG).
Molecular consequence: intron variant. On other transcripts: frameshift variant (2).
Genome position (GRCh38, 1-based): chr14:58,543,891, G deleted; the last of 5 consecutive G bases (chr14:58,543,887-58,543,891); deleting any one gives the same sequence. VCF-style (leftmost placement, unchanged base first): chr14-58543886-TG-T. GRCh37 (hg19) VCF-style: chr14-59010604-TG-T.
Other names: c.4663del, p.Val1555fs (NM_001244189.2); c.4504del, p.Val1502fs (NM_001329944.2); c.4450+3755del (NM_001244190.2); c.4363+3755del (NM_001244192.2, NM_001329947.2); c.4240+3755del (NM_001244191.2, NM_001364701.2); c.4430-3890del (NM_001329946.2); c.4267+3755del (NM_014749.5); c.4175-3890del (NM_001329945.2); short protein forms V1502fs, V1555fs.
Identifiers: ClinVar variation 1070838 (VCV001070838.7), dbSNP rs2140128017, ClinGen allele CA2499222647.